The following is an entry in ClinVar:

ClinVar aggregate classification (germline): Pathogenic (1 of 4 stars; one submission).

Conditions:
Cornelia de Lange syndrome 1 (CDLS1). Also called: Brachmann de Lange syndrome; NIPBL-Related Cornelia de Lange Syndrome; TYPUS DEGENERATIVUS AMSTELODAMENSIS. Identifiers: Orphanet 199, MedGen C4551851, MONDO:0007387, OMIM 122470.

Submission:

Labcorp Genetics (formerly Invitae), Labcorp
Classification: Pathogenic for Cornelia de Lange syndrome 1. Last evaluated: 2019-08-17. Review status: criteria provided, single submitter. Criteria: Invitae Variant Classification Sherloc (09022015). Collection method: clinical testing. Allele origin: germline.
Comment: This sequence change creates a premature translational stop signal (p.Val2586Asnfs*17) in the NIPBL gene. It is expected to result in an absent or disrupted protein product. This variant is not present in population databases (ExAC no frequency). This variant has not been reported in the literature in individuals with NIPBL-related conditions. Loss-of-function variants in NIPBL are known to be pathogenic (PMID: 15318302, 19763162, 23505322, 29995837). For these reasons, this variant has been classified as Pathogenic.

Literature cited by the submitters: PubMed 15318302; PubMed 19763162; PubMed 23505322; PubMed 29995837.

NM_133433.4(NIPBL):c.7749_7755dup (p.Val2586fs)

Gene: NIPBL (NIPBL cohesin loading factor; plus strand). Cytogenetic location: 5p13.2.
Variant type: Duplication.
Coding change: c.7749_7755dup on transcript NM_133433.4 (MANE Select); coding-DNA positions 7749 to 7755, 7 bases duplicated (AACAGGA; older notation c.7749_7755dupAACAGGA).
Protein change: p.Val2586fs; shifts the reading frame from valine 2586.
Molecular consequence: frameshift variant.
Genome position (GRCh38, 1-based): chr5:37,060,907-37,060,913, AACAGGA duplicated; duplicating any 7 consecutive bases within chr5:37,060,906-37,060,913 gives the same sequence; the c. name uses the placement nearest the transcript's 3' end. VCF-style (leftmost placement, unchanged base first): chr5-37060905-A-AAAACAGG. GRCh37 (hg19) VCF-style: chr5-37061007-A-AAAACAGG.
Other names: c.7749_7755dup, p.Val2586fs (NM_015384.5); short protein forms V2586fs.
Identifiers: ClinVar variation 935537 (VCV000935537.3), dbSNP rs1754594011, ClinGen allele CA1139658787.
Genomic context (GRCh38, chr5:37,060,905, plus strand): 5'-AAAATTCAGAAGTACTCTCCATCTGAATCTGCAAAAGTATATGATAAAGCGATAAACCGA[A>AAAACAGG]AAACAGGAGTTCATTTTCATCCAAAACAAACACTGGACTTCCTGCGGAGTGACATGGCTA-3'